The following is an entry in ClinVar:

ClinVar aggregate classification (germline): Uncertain significance. Review status: criteria provided, multiple submitters, no conflicts (2 of 4 stars). 5 submissions from 5 submitters: Uncertain significance (5). Last evaluated 2025-10-27.

Conditions:
Familial cancer of breast. Also called: BREAST CANCER, FAMILIAL; Hereditary breast cancer; hereditary breast carcinoma. Identifiers: Orphanet 227535, MedGen C0346153, MONDO:0016419, OMIM 114480. Disease mechanism: loss of function.
Hereditary cancer-predisposing syndrome. Also called: Hereditary Cancer Syndrome; Neoplastic Syndromes, Hereditary; Tumor predisposition; Hereditary neoplastic syndrome. Identifiers: Orphanet 140162, MedGen C0027672, MeSH D009386, MONDO:0015356.

Allele frequency attached by ClinVar (database versions not stated): gnomAD exomes below 0.00001; TOPMed below 0.00001; gnomAD 0.00001.
gnomAD v4.1: 2 of 1,595,862 alleles (0.00013%); highest among the groups gnomAD compares: Non-Finnish European, 0.00017%; no homozygotes.

Submissions (5):

Labcorp Genetics (formerly Invitae), Labcorp
Classification: Uncertain significance for Familial cancer of breast. Last evaluated: 2025-10-27. Review status: criteria provided, single submitter. Criteria: Invitae Variant Classification Sherloc (09022015). Collection method: clinical testing. Allele origin: germline.
Comment: This sequence change replaces alanine, which is neutral and non-polar, with glycine, which is neutral and non-polar, at codon 212 of the BARD1 protein (p.Ala212Gly). This variant is not present in population databases (gnomAD no frequency). This variant has not been reported in the literature in individuals affected with BARD1-related conditions. ClinVar contains an entry for this variant (Variation ID: 481363). An algorithm developed to predict the effect of missense changes on protein structure and function (PolyPhen-2) suggests that this variant is likely to be tolerated. In summary, the available evidence is currently insufficient to determine the role of this variant in disease. Therefore, it has been classified as a Variant of Uncertain Significance.

Quest Diagnostics Nichols Institute San Juan Capistrano
Classification: Uncertain significance. Last evaluated: 2025-07-31. Review status: criteria provided, single submitter. Criteria: Quest Diagnostics criteria. Collection method: clinical testing. Allele origin: unknown.
Comment: The BARD1 c.635C>G (p.Ala212Gly) variant has not been reported in individuals with BARD1-related conditions in the published literature. The frequency of this variant in the general population (Genome Aggregation Database) is uninformative in the assessment of its pathogenicity. Analysis of this variant using bioinformatics tools for the prediction of the effect of amino acid changes on protein structure and function yielded predictions that this variant is benign. Based on the available information, we are unable to determine the clinical significance of this variant.

Color Diagnostics, LLC DBA Color Health
Classification: Uncertain significance for Hereditary cancer-predisposing syndrome. Last evaluated: 2024-03-06. Review status: criteria provided, single submitter. Criteria: ACMG Guidelines, 2015. Collection method: clinical testing. Allele origin: germline.
Comment: This missense variant replaces alanine with glycine at codon 212 of the BARD1 protein. Computational prediction suggests that this variant may not impact protein structure and function (internally defined REVEL score threshold <= 0.5, PMID: 27666373). To our knowledge, functional studies have not been reported for this variant. This variant has not been reported in individuals affected with hereditary cancer in the literature. This variant has not been identified in the general population by the Genome Aggregation Database (gnomAD). The available evidence is insufficient to determine the role of this variant in disease conclusively. Therefore, this variant is classified as a Variant of Uncertain Significance.

Ambry Genetics
Classification: Uncertain significance for Hereditary cancer-predisposing syndrome. Last evaluated: 2023-12-10. Review status: criteria provided, single submitter. Criteria: Ambry Variant Classification Scheme 2023. Collection method: clinical testing. Allele origin: germline.
Comment: The p.A212G variant (also known as c.635C>G), located in coding exon 4 of the BARD1 gene, results from a C to G substitution at nucleotide position 635. The alanine at codon 212 is replaced by glycine, an amino acid with similar properties. This amino acid position is well conserved in available vertebrate species. In addition, this alteration is predicted to be tolerated by in silico analysis. Since supporting evidence is limited at this time, the clinical significance of this alteration remains unclear.

Sema4
Classification: Uncertain significance for Hereditary cancer-predisposing syndrome. Last evaluated: 2021-09-13. Review status: criteria provided, single submitter. Criteria: Sema4 Curation Guidelines. Collection method: curation. Allele origin: germline.
Comment: The BARD1 c.635C>G (p.A212G) variant has not been reported in the literature to our knowledge. It was not observed in the large and broad cohorts of the Genome Aggregation Database, but has been reported in ClinVar (Variation ID 481363). Functional studies have not been performed, and in silico predictions of the variant's effect on protein function are inconclusive. The evidence is insufficient to meet ACMG/AMP criteria for classifying the variant as benign or pathogenic. Thus, the clinical significance of this variant is currently uncertain.

NM_000465.4(BARD1):c.635C>G (p.Ala212Gly)

Gene: BARD1 (BRCA1 associated RING domain 1; minus strand). Cytogenetic location: 2q35.
Variant type: single nucleotide variant.
Coding change: c.635C>G on transcript NM_000465.4 (MANE Select); coding-DNA position 635, C replaced by G.
Protein change: p.Ala212Gly; replaces alanine 212 with glycine.
Molecular consequence: missense variant. On other transcripts: non-coding transcript variant (2), intron variant (3).
Genome position (GRCh38, 1-based): chr2:214,781,239, G>C on the plus strand (C>G on the coding strand, the complement: BARD1 is on the minus strand). VCF-style: chr2-214781239-G-C. GRCh37 (hg19) VCF-style: chr2-215645963-G-C.
Other names: c.578C>G, p.Ala193Gly (NM_001282543.2); c.158+28173C>G (NM_001282548.2); c.215+15822C>G (NM_001282545.2); c.364+11058C>G (NM_001282549.2); short protein forms A212G, A193G.
Identifiers: ClinVar variation 481363 (VCV000481363.21), dbSNP rs1400642945, ClinGen allele CA350456632.